The following is an entry in ClinVar:

NM_000153.4(GALC):c.1912-220T>G

Gene: GALC (galactosylceramidase; minus strand). Cytogenetic location: 14q31.3.
Variant type: single nucleotide variant.
Coding change: c.1912-220T>G on transcript NM_000153.4 (MANE Select); 220 bases into the intron before coding-DNA position 1912, T replaced by G.
Molecular consequence: intron variant.
Genome position (GRCh38, 1-based): chr14:87,935,098, A>C on the plus strand (T>G on the coding strand, the complement: GALC is on the minus strand). VCF-style: chr14-87935098-A-C. GRCh37 (hg19) VCF-style: chr14-88401442-A-C.
Other names: c.1834-220T>G (NM_001201402.2); c.1843-220T>G (NM_001201401.2).
Identifiers: ClinVar variation 680309 (VCV000680309.1), dbSNP rs390474, ClinGen allele CA14022517.

ClinVar aggregate classification (germline): Benign (1 of 4 stars; one submission).

Allele frequency attached by ClinVar (database versions not stated): TOPMed 0.95050; gnomAD 0.95773; 1000 Genomes Project 0.94069; 1000 Genomes Project 30x 0.94082.
gnomAD v4.1: 145,620 of 152,136 alleles (96%); highest among the groups gnomAD compares: Non-Finnish European, 100%; 69,988 homozygotes.

Submission:

GeneDx
Classification: Benign. Last evaluated: 2018-06-19. Review status: criteria provided, single submitter. Criteria: GeneDx Variant Classification (06012015). Collection method: clinical testing. Allele origin: germline. Affected: yes.
Comment: This variant is considered likely benign or benign based on one or more of the following criteria: it is a conservative change, it occurs at a poorly conserved position in the protein, it is predicted to be benign by multiple in silico algorithms, and/or has population frequency not consistent with disease.